The following is an entry in ClinVar:

ClinVar aggregate classification (germline): Uncertain significance. Review status: criteria provided, multiple submitters, no conflicts (2 of 4 stars). 4 submissions from 4 submitters: Uncertain significance (4). Last evaluated 2025-09-29.

Conditions:
Rhabdoid tumor predisposition syndrome 2 (RTPS2). Identifiers: Orphanet 231108, Orphanet 69077, MedGen C2750074, MONDO:0013224, OMIM 613325.
Hereditary cancer-predisposing syndrome. Also called: Neoplastic Syndromes, Hereditary; Hereditary Cancer Syndrome; Tumor predisposition; Hereditary neoplastic syndrome. Identifiers: Orphanet 140162, MedGen C0027672, MeSH D009386, MONDO:0015356.
Intellectual disability, autosomal dominant 16 (CSS4). Also called: COFFIN-SIRIS SYNDROME 4. Identifiers: Orphanet 1465, MedGen C3553249, MONDO:0013821, OMIM 614609.

Allele frequency attached by ClinVar (database versions not stated): gnomAD exomes below 0.00001.
gnomAD v4.1: 3 of 1,614,034 alleles (0.00019%); highest among the groups gnomAD compares: Non-Finnish European, 0.00025%; no homozygotes.

Submissions (4):

Ambry Genetics
Classification: Uncertain significance for Hereditary cancer-predisposing syndrome. Last evaluated: 2025-09-29. Review status: criteria provided, single submitter. Criteria: Ambry Variant Classification Scheme 2023. Collection method: clinical testing. Allele origin: germline.
Comment: The p.R89C variant (also known as c.265C>T), located in coding exon 2 of the SMARCA4 gene, results from a C to T substitution at nucleotide position 265. The arginine at codon 89 is replaced by cysteine, an amino acid with highly dissimilar properties. This variant was detected as heterozygous in individual(s) with no reported features of Coffin-Siris syndrome (Ambry internal data). This amino acid position is well conserved in available vertebrate species. In addition, this alteration is predicted to be deleterious by in silico analysis. Based on the available evidence, the clinical significance of this variant remains unclear.

Labcorp Genetics (formerly Invitae), Labcorp
Classification: Uncertain significance for Rhabdoid tumor predisposition syndrome 2. Last evaluated: 2024-11-19. Review status: criteria provided, single submitter. Criteria: Invitae Variant Classification Sherloc (09022015). Collection method: clinical testing. Allele origin: germline.
Comment: This sequence change replaces arginine, which is basic and polar, with cysteine, which is neutral and slightly polar, at codon 89 of the SMARCA4 protein (p.Arg89Cys). This variant is not present in population databases (gnomAD no frequency). This variant has not been reported in the literature in individuals affected with SMARCA4-related conditions. ClinVar contains an entry for this variant (Variation ID: 573870). Invitae Evidence Modeling of protein sequence and biophysical properties (such as structural, functional, and spatial information, amino acid conservation, physicochemical variation, residue mobility, and thermodynamic stability) indicates that this missense variant is not expected to disrupt SMARCA4 protein function with a negative predictive value of 80%. In summary, the available evidence is currently insufficient to determine the role of this variant in disease. Therefore, it has been classified as a Variant of Uncertain Significance.

Quest Diagnostics Nichols Institute San Juan Capistrano
Classification: Uncertain significance. Last evaluated: 2024-01-18. Review status: criteria provided, single submitter. Criteria: Quest Diagnostics criteria. Collection method: clinical testing. Allele origin: unknown.
Comment: The SMARCA4 c.265C>T (p.Arg89Cys) variant has not been reported in individuals with SMARCA4-related conditions in the published literature. It also has not been reported in large, multi-ethnic general populations (Genome Aggregation Database). Analysis of this variant using bioinformatics tools for the prediction of the effect of amino acid changes on protein structure and function yielded conflicting predictions that this variant is benign or damaging. Based on the available information, we are unable to determine the clinical significance of this variant.

Genome-Nilou Lab
Classification: Uncertain significance for Intellectual disability, autosomal dominant 16. Last evaluated: 2021-07-15. Review status: criteria provided, single submitter. Criteria: ACMG Guidelines, 2015. Collection method: clinical testing. Allele origin: germline. Affected: no.

NM_003072.5(SMARCA4):c.265C>T (p.Arg89Cys)

Gene: SMARCA4 (SWI/SNF related BAF chromatin remodeling complex subunit ATPase 4; plus strand). Cytogenetic location: 19p13.2.
Variant type: single nucleotide variant.
Coding change: c.265C>T on transcript NM_003072.5 (MANE Select); coding-DNA position 265, C replaced by T.
Protein change: p.Arg89Cys; replaces arginine 89 with cysteine.
Molecular consequence: missense variant. On other transcripts: non-coding transcript variant (1).
Genome position (GRCh38, 1-based): chr19:10,985,315, C>T. VCF-style: chr19-10985315-C-T. GRCh37 (hg19) VCF-style: chr19-11095991-C-T.
Other names: c.265C>T, p.Arg89Cys (NM_001128844.3, NM_001128845.2, NM_001128846.2 and 5 more transcripts); short protein forms R89C.
Identifiers: ClinVar variation 573870 (VCV000573870.20), dbSNP rs1568419849, ClinGen allele CA404055168.
Genomic context (GRCh38, chr19:10,985,315, plus strand): 5'-CCATGGTCCCTCTCGCAGCCCATGGAGTCCATGCATGAGAAGGGCATGTCGGACGACCCG[C>T]GCTACAACCAGATGAAAGGAATGGGGATGCGGTCAGGGGGCCATGCTGGGATGGGGCCCC-3'
Protein context (NP_003063.2, residues 79-99): MHEKGMSDDP[Arg89Cys]YNQMKGMGMR